The following is an entry in ClinVar:

ClinVar aggregate classification (germline): Uncertain significance. Review status: criteria provided, multiple submitters, no conflicts (2 of 4 stars). 2 submissions from 2 submitters: Uncertain significance (2). Last evaluated 2022-11-01.

Conditions:
Anemia, nonspherocytic hemolytic, due to G6PD deficiency (CNSHA1). Also called: Hemolytic anemia due to G6PD deficiency; Class I glucose-6-phosphate dehydrogenase deficiency; Favism, susceptibility to; ANEMIA, CONGENITAL, NONSPHEROCYTIC HEMOLYTIC, 1. Identifiers: Orphanet 466026, MedGen C2720289, MONDO:0010480, OMIM 300908.

Allele frequency attached by ClinVar (database versions not stated): gnomAD exomes 0.00001; ExAC 0.00002; gnomAD 0.00005 and 0.00006; TOPMed 0.00007.
gnomAD v4.1: 13 of 1,210,724 alleles (0.0011%); highest among the groups gnomAD compares: African/African-American, 0.012%; no homozygotes.

Submissions (2):

Labcorp Genetics (formerly Invitae), Labcorp
Classification: Uncertain significance for Anemia, nonspherocytic hemolytic, due to G6PD deficiency. Last evaluated: 2022-11-01. Review status: criteria provided, single submitter. Criteria: Invitae Variant Classification Sherloc (09022015). Collection method: clinical testing. Allele origin: germline.
Comment: This sequence change replaces valine, which is neutral and non-polar, with isoleucine, which is neutral and non-polar, at codon 341 of the G6PD protein (p.Val341Ile). The frequency data for this variant in the population databases is considered unreliable, as metrics indicate poor data quality at this position in the gnomAD database. This variant has not been reported in the literature in individuals affected with G6PD-related conditions. ClinVar contains an entry for this variant (Variation ID: 811090). Advanced modeling of protein sequence and biophysical properties (such as structural, functional, and spatial information, amino acid conservation, physicochemical variation, residue mobility, and thermodynamic stability) performed at Invitae indicates that this missense variant is expected to disrupt G6PD protein function. In summary, the available evidence is currently insufficient to determine the role of this variant in disease. Therefore, it has been classified as a Variant of Uncertain Significance.

ARUP Laboratories, Molecular Genetics and Genomics, ARUP Laboratories
Classification: Uncertain significance. Last evaluated: 2018-08-17. Review status: criteria provided, single submitter. Criteria: ARUP Molecular Germline Variant Investigation Process. Collection method: clinical testing. Allele origin: germline.

NM_001360016.2(G6PD):c.1021G>A (p.Val341Ile)

Gene: G6PD (glucose-6-phosphate dehydrogenase; minus strand). Cytogenetic location: Xq28.
Variant type: single nucleotide variant.
Coding change: c.1021G>A on transcript NM_001360016.2 (MANE Select); coding-DNA position 1021, G replaced by A.
Protein change: p.Val341Ile; replaces valine 341 with isoleucine.
Molecular consequence: missense variant.
Genome position (GRCh38, 1-based): chrX:154,532,972, C>T on the plus strand (G>A on the coding strand, the complement: G6PD is on the minus strand). VCF-style: chrX-154532972-C-T. GRCh37 (hg19) VCF-style: chrX-153761187-C-T.
Other names: c.1111G>A, p.Val371Ile (NM_000402.4); c.1021G>A, p.Val341Ile (NM_001042351.3); short protein forms V341I, V371I.
Identifiers: ClinVar variation 811090 (VCV000811090.14), dbSNP rs782174983, ClinGen allele CA10566096.